The following is an entry in ClinVar:

ClinVar aggregate classification (germline): Likely benign (1 of 4 stars; one submission).

Conditions:
UNC45A-related disorder. Also called: UNC45A-related condition.

gnomAD v4.1: 2 of 1,614,056 alleles (0.00012%); highest among the groups gnomAD compares: Non-Finnish European, 0.00017%; no homozygotes.

Submission:

PreventionGenetics, part of Exact Sciences
Classification: Likely benign for UNC45A-related condition. Last evaluated: 2026-03-12. Review status: criteria provided, single submitter. Criteria: ACMG Guidelines, 2015. Collection method: clinical testing. Allele origin: germline.
Comment: This variant is classified as likely benign based on ACMG/AMP sequence variant interpretation guidelines (Richards et al. 2015 PMID: 25741868, with internal and published modifications).

NM_018671.5(UNC45A):c.810A>G (p.Glu270=)

Gene: UNC45A (unc-45 myosin chaperone A; plus strand). Cytogenetic location: 15q26.1.
Variant type: single nucleotide variant.
Coding change: c.810A>G on transcript NM_018671.5 (MANE Select); coding-DNA position 810, A replaced by G.
Protein change: p.Glu270=; no amino-acid change (glutamic acid 270 retained).
Molecular consequence: synonymous variant.
Genome position (GRCh38, 1-based): chr15:90,942,559, A>G. VCF-style: chr15-90942559-A-G. GRCh37 (hg19) VCF-style: chr15-91485789-A-G.
Other names: c.765A>G, p.Glu255= (NM_001039675.2, NM_001323621.2); c.810A>G, p.Glu270= (NM_001323619.1); c.375A>G, p.Glu125= (NM_001323620.2).
Identifiers: ClinVar variation 4996384 (VCV004996384.1).